The following is an entry in ClinVar:

NM_004706.4(ARHGEF1):c.946G>A (p.Ala316Thr)

Gene: ARHGEF1 (Rho guanine nucleotide exchange factor 1; plus strand). Cytogenetic location: 19q13.2.
Variant type: single nucleotide variant.
Coding change: c.946G>A on transcript NM_004706.4 (MANE Select); coding-DNA position 946, G replaced by A.
Protein change: p.Ala316Thr; replaces alanine 316 with threonine.
Molecular consequence: missense variant. On other transcripts: non-coding transcript variant (2).
Genome position (GRCh38, 1-based): chr19:41,895,417, G>A. VCF-style: chr19-41895417-G-A. GRCh37 (hg19) VCF-style: chr19-42399490-G-A.
Other names: c.946G>A, p.Ala316Thr (NM_001396000.1, NM_001396003.1, NM_001396006.1); c.847G>A, p.Ala283Thr (NM_001396002.1, NM_001396004.1, NM_198977.2); c.991G>A, p.Ala331Thr (NM_199002.2); short protein forms A283T, A316T, A331T.
Identifiers: ClinVar variation 3603339 (VCV003603339.2).

ClinVar aggregate classification (germline): Uncertain significance (1 of 4 stars; one submission).

Submission:

Labcorp Genetics (formerly Invitae), Labcorp
Classification: Uncertain significance. Last evaluated: 2024-06-20. Review status: criteria provided, single submitter. Criteria: Invitae Variant Classification Sherloc (09022015). Collection method: clinical testing. Allele origin: germline.
Comment: This sequence change replaces alanine, which is neutral and non-polar, with threonine, which is neutral and polar, at codon 331 of the ARHGEF1 protein (p.Ala331Thr). This variant is not present in population databases (gnomAD no frequency). This variant has not been reported in the literature in individuals affected with ARHGEF1-related conditions. Algorithms developed to predict the effect of missense changes on protein structure and function output the following: SIFT: "Not Available"; PolyPhen-2: "Benign"; Align-GVGD: "Not Available". The threonine amino acid residue is found in multiple mammalian species, which suggests that this missense change does not adversely affect protein function. In summary, the available evidence is currently insufficient to determine the role of this variant in disease. Therefore, it has been classified as a Variant of Uncertain Significance.